The following is an entry in ClinVar:

NM_001136193.2(FASTKD2):c.*672T>A

Gene: FASTKD2 (FAST kinase domains 2; plus strand). Cytogenetic location: 2q33.3.
Variant type: single nucleotide variant.
Coding change: c.*672T>A on transcript NM_001136193.2 (MANE Select); 672 bases downstream of the stop codon, T replaced by A.
Molecular consequence: 3 prime UTR variant.
Genome position (GRCh38, 1-based): chr2:206,792,474, T>A. VCF-style: chr2-206792474-T-A. GRCh37 (hg19) VCF-style: chr2-207657198-T-A.
Other names: c.*672T>A (NM_001136194.2, NM_014929.4).
Identifiers: ClinVar variation 333819 (VCV000333819.5), dbSNP rs61672260, ClinGen allele CA10613726.

ClinVar aggregate classification (germline): Benign (1 of 4 stars; one submission).

Conditions:
Mitochondrial complex IV deficiency, nuclear type 1 (MC4DN1). Also called: COX DEFICIENCY; Mitochondrial complex IV deficiency; Complex 4 mitochondrial respiratory chain deficiency; Deficiency of mitochondrial respiratory chain complex4; Complex IV deficiency. Identifiers: MedGen C5435656, MONDO:0700250, OMIM 220110. Disease mechanism: loss of function.

Allele frequency attached by ClinVar (database versions not stated): gnomAD exomes 0.00585; gnomAD 0.04819 and 0.05029; TOPMed 0.05272; 1000 Genomes Project 0.06370.
gnomAD v4.1: 7,280 of 152,608 alleles (4.8%); highest among the groups gnomAD compares: African/African-American, 15%; 483 homozygotes.

Submission:

Illumina Laboratory Services, Illumina
Classification: Benign for Mitochondrial complex IV deficiency, nuclear type 1. Last evaluated: 2018-01-13. Review status: criteria provided, single submitter. Criteria: ICSL Variant Classification Criteria 13 December 2019. Collection method: clinical testing. Allele origin: germline.
Comment: This variant was observed in the ICSL laboratory as part of a predisposition screen in an ostensibly healthy population. It had not been previously curated by ICSL or reported in the Human Gene Mutation Database (HGMD: prior to June 1st, 2018), and was therefore a candidate for classification through an automated scoring system. Utilizing variant allele frequency, disease prevalence and penetrance estimates, and inheritance mode, an automated score was calculated to assess if this variant is too frequent to cause the disease. Based on the score and internal cut-off values, a variant classified as benign is not then subjected to further curation. The score for this variant resulted in a classification of benign for this disease.